The following is an entry in ClinVar:

ClinVar aggregate classification (germline): Pathogenic (1 of 4 stars; one submission).

Conditions:
Glutaric aciduria, type 1. Also called: GA I; Glutaricacidemia Type 1; Glutaric acidemia type I; Glutaryl-CoA dehydrogenase deficiency; Glutaricaciduria, type I; Glutaric Acidemia Type 1. Identifiers: Orphanet 25, MedGen C0268595, MONDO:0009281, OMIM 231670.

Submission:

Labcorp Genetics (formerly Invitae), Labcorp
Classification: Pathogenic for Glutaric aciduria, type 1. Last evaluated: 2022-07-14. Review status: criteria provided, single submitter. Criteria: Invitae Variant Classification Sherloc (09022015). Collection method: clinical testing. Allele origin: germline.
Comment: This sequence change replaces leucine, which is neutral and non-polar, with proline, which is neutral and non-polar, at codon 238 of the GCDH protein (p.Leu238Pro). This variant is not present in population databases (gnomAD no frequency). This missense change has been observed in individual(s) with glutaric acidemia, type I (PMID: 12210585, 15318278). In at least one individual the data is consistent with being in trans (on the opposite chromosome) from a pathogenic variant. Advanced modeling of protein sequence and biophysical properties (such as structural, functional, and spatial information, amino acid conservation, physicochemical variation, residue mobility, and thermodynamic stability) performed at Invitae indicates that this missense variant is expected to disrupt GCDH protein function. For these reasons, this variant has been classified as Pathogenic.

Literature cited by the submitters: PubMed 12210585; PubMed 15318278.

NM_000159.4(GCDH):c.713T>C (p.Leu238Pro)

Gene: GCDH (glutaryl-CoA dehydrogenase; plus strand). Cytogenetic location: 19p13.13.
Variant type: single nucleotide variant.
Coding change: c.713T>C on transcript NM_000159.4 (MANE Select); coding-DNA position 713, T replaced by C.
Protein change: p.Leu238Pro; replaces leucine 238 with proline.
Molecular consequence: missense variant. On other transcripts: non-coding transcript variant (2).
Genome position (GRCh38, 1-based): chr19:12,896,282, T>C. VCF-style: chr19-12896282-T-C. GRCh37 (hg19) VCF-style: chr19-13007096-T-C.
Other names: c.713T>C, p.Leu238Pro (NM_013976.5); short protein forms L238P.
Identifiers: ClinVar variation 2138247 (VCV002138247.4), dbSNP rs2512573503, ClinGen allele CA404318710.
Genomic context (GRCh38, chr19:12,896,282, plus strand): 5'-TGGCCGATCTGTTTGTAGTGTGGGCTCGGTGTGAAGATGGCTGCATTCGGGGCTTCCTGC[T>C]GGAGAAGGGGATGCGGGGTCTCTCGGCCCCCAGGATCCAGGGCAAGTTCTCGCTGCGGGC-3'
Protein context (NP_000150.1, residues 228-248): CEDGCIRGFL[Leu238Pro]EKGMRGLSAP